The following is an entry in ClinVar:

ClinVar aggregate classification (germline): Likely benign (1 of 4 stars; one submission).

Allele frequency attached by ClinVar (database versions not stated): ExAC 0.00018; 1000 Genomes Project 0.00240.

Submission:

CeGaT Center for Human Genetics Tuebingen
Classification: Likely benign. Last evaluated: 2026-02-01. Review status: criteria provided, single submitter. Criteria: CeGaT Center For Human Genetics Tuebingen Variant Classification Criteria Version 2. Collection method: clinical testing. Allele origin: germline. Affected: yes. Observed: 3 variant alleles.
Comment: KIR3DL1: BP4, BS2

NM_013289.4(KIR3DL1):c.1204G>A (p.Asp402Asn)

Gene: KIR3DL1 (killer cell immunoglobulin like receptor, three Ig domains and long cytoplasmic tail 1). Cytogenetic location: 19q13.42.
Variant type: single nucleotide variant.
Coding change: c.1204G>A on transcript NM_013289.4 (MANE Select); coding-DNA position 1204, G replaced by A.
Protein change: p.Asp402Asn; replaces aspartic acid 402 with asparagine.
Molecular consequence: missense variant.
Genome position (GRCh38, 1-based): chr19:54,830,144, G>A. VCF-style: chr19-54830144-G-A. GRCh37 (hg19) VCF-style: chr19-55341599-G-A.
Other names: short protein forms D402N.
Identifiers: ClinVar variation 2650485 (VCV002650485.24), dbSNP rs201105125, ClinGen allele CA309923848.
Genomic context (GRCh38, chr19:54,830,144, plus strand): 5'-TTTCCCTCTCTCCAGGACTCTGATGAACAAGACCCTGAGGAGGTGACATACGCACAGTTG[G>A]ATCACTGCGTTTTCACACAGAGAAAAATCACTCGCCCTTCTCAGAGGCCCAAGACACCCC-3'
Protein context (NP_037421.2, residues 392-412): DPEEVTYAQL[Asp402Asn]HCVFTQRKIT